The following is an entry in ClinVar:

NM_003190.5(TAPBP):c.53T>C (p.Val18Ala)

Gene: TAPBP (TAP binding protein; minus strand). Cytogenetic location: 6p21.32.
Variant type: single nucleotide variant.
Coding change: c.53T>C on transcript NM_003190.5 (MANE Select); coding-DNA position 53, T replaced by C.
Protein change: p.Val18Ala; replaces valine 18 with alanine.
Molecular consequence: missense variant.
Genome position (GRCh38, 1-based): chr6:33,313,849, A>G on the plus strand (T>C on the coding strand, the complement: TAPBP is on the minus strand). VCF-style: chr6-33313849-A-G. GRCh37 (hg19) VCF-style: chr6-33281626-A-G.
Other names: c.53T>C, p.Val18Ala (NM_001410875.1, NM_172208.3, NM_172209.3); short protein forms V18A.
Identifiers: ClinVar variation 3804181 (VCV003804181.2).
Genomic context (GRCh38, chr6:33,313,849, plus strand): 5'-AGGCCCTTTCCGCTCGCATCCTCCACGAACCAACACTCGATCACCGCGGGTCCTGCTGAG[A>G]CGGCGGTCGCCAGGCCTGGCGTATAGGGACGCGAGTGAGGAGCGGTTTGTATGTCTGGTG-3'
Protein context (NP_003181.3, residues 8-28): LAVALGLATA[Val18Ala]SAGPAVIECW

ClinVar aggregate classification (germline): Uncertain significance. Review status: criteria provided, multiple submitters, no conflicts (2 of 4 stars). 2 submissions from 2 submitters: Uncertain significance (2). Last evaluated 2025-12-03.

Conditions:
MHC class I deficiency. Identifiers: Orphanet 34592, MedGen C6024714, MONDO:0011476.

Submissions (2):

Labcorp Genetics (formerly Invitae), Labcorp
Classification: Uncertain significance for MHC class I deficiency 1. Last evaluated: 2025-12-03. Review status: criteria provided, single submitter. Criteria: Invitae Variant Classification Sherloc (09022015). Collection method: clinical testing. Allele origin: germline.
Comment: This sequence change replaces valine, which is neutral and non-polar, with alanine, which is neutral and non-polar, at codon 18 of the TAPBP protein (p.Val18Ala). This variant is not present in population databases (gnomAD no frequency). This variant has not been reported in the literature in individuals affected with TAPBP-related conditions. ClinVar contains an entry for this variant (Variation ID: 3804181). An algorithm developed to predict the effect of missense changes on protein structure and function outputs the following: PolyPhen-2: "Not Available". The alanine amino acid residue is found in multiple mammalian species, which suggests that this missense change does not adversely affect protein function. In summary, the available evidence is currently insufficient to determine the role of this variant in disease. Therefore, it has been classified as a Variant of Uncertain Significance.

Ambry Genetics
Classification: Uncertain significance. Last evaluated: 2025-01-08. Review status: criteria provided, single submitter. Criteria: Ambry Variant Classification Scheme 2023. Collection method: clinical testing. Allele origin: germline.